The following is an entry in ClinVar:

NM_001135651.3(EIF2AK2):c.1577G>A (p.Arg526Gln)

Gene: EIF2AK2 (eukaryotic translation initiation factor 2 alpha kinase 2; minus strand). Cytogenetic location: 2p22.2.
Variant type: single nucleotide variant.
Coding change: c.1577G>A on transcript NM_001135651.3 (MANE Select); coding-DNA position 1577, G replaced by A.
Protein change: p.Arg526Gln; replaces arginine 526 with glutamine.
Molecular consequence: missense variant.
Genome position (GRCh38, 1-based): chr2:37,107,352, C>T on the plus strand (G>A on the coding strand, the complement: EIF2AK2 is on the minus strand). VCF-style: chr2-37107352-C-T. GRCh37 (hg19) VCF-style: chr2-37334495-C-T.
Other names: c.1454G>A, p.Arg485Gln (NM_001135652.3); c.1577G>A, p.Arg526Gln (NM_002759.4); short protein forms R526Q, R485Q.
Identifiers: ClinVar variation 5009303 (VCV005009303.1).

ClinVar aggregate classification (germline): Uncertain significance (1 of 4 stars; one submission).

gnomAD v4.1: 7 of 1,613,842 alleles (0.00043%); highest among the groups gnomAD compares: East Asian, 0.0022%; no homozygotes.

Submission:

GeneDx
Classification: Uncertain significance. Last evaluated: 2026-03-16. Review status: criteria provided, single submitter. Criteria: GeneDx Variant Classification Process June 2021. Collection method: clinical testing. Allele origin: germline.
Comment: Not observed at significant frequency in large population cohorts (gnomAD); In silico analysis supports that this missense variant has a deleterious effect on protein structure/function; Has not been previously published as pathogenic or benign to our knowledge